The following is an entry in ClinVar:

NM_052947.4(ALPK2):c.6323C>T (p.Ser2108Phe)

Gene: ALPK2 (alpha kinase 2; minus strand). Cytogenetic location: 18q21.31.
Variant type: single nucleotide variant.
Coding change: c.6323C>T on transcript NM_052947.4 (MANE Select); coding-DNA position 6323, C replaced by T.
Protein change: p.Ser2108Phe; replaces serine 2108 with phenylalanine.
Molecular consequence: missense variant.
Genome position (GRCh38, 1-based): chr18:58,482,013, G>A on the plus strand (C>T on the coding strand, the complement: ALPK2 is on the minus strand). VCF-style: chr18-58482013-G-A. GRCh37 (hg19) VCF-style: chr18-56149245-G-A.
Other names: short protein forms S2108F.
Identifiers: ClinVar variation 2450678 (VCV002450678.2), dbSNP rs61738810, ClinGen allele CA8976176.

ClinVar aggregate classification (germline): Uncertain significance (1 of 4 stars; one submission).

Allele frequency attached by ClinVar (database versions not stated): gnomAD exomes 0.00001; ExAC 0.00003; ESP Exome Variant Server 0.00015; gnomAD 0.00015; TOPMed 0.00017.
gnomAD v4.1: 40 of 1,614,132 alleles (0.0025%); highest among the groups gnomAD compares: African/African-American, 0.041%; no homozygotes.

Submission:

Ambry Genetics
Classification: Uncertain significance. Last evaluated: 2022-11-23. Review status: criteria provided, single submitter. Criteria: Ambry Variant Classification Scheme 2023. Collection method: clinical testing. Allele origin: germline.
Comment: The p.S2108F variant (also known as c.6323C>T), located in coding exon 12 of the ALPK2 gene, results from a C to T substitution at nucleotide position 6323. The serine at codon 2108 is replaced by phenylalanine, an amino acid with highly dissimilar properties. This amino acid position is conserved. In addition, this alteration is predicted to be tolerated by in silico analysis. Since supporting evidence is limited at this time, the clinical significance of this alteration remains unclear.